The following is an entry in ClinVar:

NM_004456.5(EZH2):c.964A>C (p.Asn322His)

Gene: EZH2 (enhancer of zeste 2 polycomb repressive complex 2 subunit; minus strand). Cytogenetic location: 7q36.1.
Variant type: single nucleotide variant.
Coding change: c.964A>C on transcript NM_004456.5 (MANE Select); coding-DNA position 964, A replaced by C.
Protein change: p.Asn322His; replaces asparagine 322 with histidine.
Molecular consequence: missense variant.
Genome position (GRCh38, 1-based): chr7:148,819,631, T>G on the plus strand (A>C on the coding strand, the complement: EZH2 is on the minus strand). VCF-style: chr7-148819631-T-G. GRCh37 (hg19) VCF-style: chr7-148516723-T-G.
Other names: c.949A>C, p.Asn317His (NM_001203247.2); c.922A>C, p.Asn308His (NM_001203248.2, NM_001203249.2); c.832A>C, p.Asn278His (NM_152998.3); short protein forms N278H, N308H, N317H, N322H.
Identifiers: ClinVar variation 3067575 (VCV003067575.21), dbSNP rs2536754691, ClinGen allele CA369718274.

ClinVar aggregate classification (germline): Uncertain significance (1 of 4 stars; one submission).

Submission:

CeGaT Center for Human Genetics Tuebingen
Classification: Uncertain significance. Last evaluated: 2024-03-01. Review status: criteria provided, single submitter. Criteria: CeGaT Center For Human Genetics Tuebingen Variant Classification Criteria Version 2. Collection method: clinical testing. Allele origin: germline. Affected: yes. Observed: 1 variant allele.
Comment: EZH2: PM2, PP2, BP4